The following is an entry in ClinVar:

NM_001035.3(RYR2):c.5652_5653delinsTT (p.Lys1884_Gly1885delinsAsnTrp)

Gene: RYR2 (ryanodine receptor 2; plus strand). Cytogenetic location: 1q43.
Variant type: Indel.
Coding change: c.5652_5653delinsTT on transcript NM_001035.3 (MANE Select); coding-DNA positions 5652 to 5653, GG replaced by TT.
Protein change: p.Lys1884_Gly1885delinsAsnTrp.
Molecular consequence: missense variant.
Genome position (GRCh38, 1-based): chr1:237,614,780-237,614,781, GG replaced by TT. VCF-style: chr1-237614780-GG-TT. GRCh37 (hg19) VCF-style: chr1-237778080-GG-TT.
Identifiers: ClinVar variation 1428209 (VCV001428209.9), dbSNP rs2148598407, ClinGen allele CA2573132856.
Genomic context (GRCh38, chr1:237,614,780, plus strand): 5'-GGAGAAAGAGCTCAGTGTGGACGATGCAAAGCTGCAAGGAGCTGGTGAGGAAGAAGCCAA[GG>TT]GGGGCAAGCGGCCCAAGGAAGGCCTGCTCCAAATGAAACTGCCAGAGCCAGTTAAATTGC-3'

ClinVar aggregate classification (germline): Uncertain significance. Review status: criteria provided, multiple submitters, no conflicts (2 of 4 stars). 2 submissions from 2 submitters: Uncertain significance (2). Last evaluated 2023-07-31.

Conditions:
Catecholaminergic polymorphic ventricular tachycardia 1. Also called: VENTRICULAR TACHYCARDIA, CATECHOLAMINERGIC POLYMORPHIC, 1, WITH OR WITHOUT ATRIAL DYSFUNCTION AND/OR DILATED CARDIOMYOPATHY; RYR2-Related Catecholaminergic Polymorphic Ventricular Tachycardia; VENTRICULAR TACHYCARDIA, STRESS-INDUCED POLYMORPHIC 1. Identifiers: Orphanet 3286, MedGen C1631597, MONDO:0011484, OMIM 604772.
Cardiomyopathy (CMYO). Also called: Cardiomyopathies. Identifiers: Orphanet 167848, MedGen C0878544, MONDO:0004994, HP:0001638. Inheritance: Various modes of inheritance.

Submissions (2):

Color Diagnostics, LLC DBA Color Health
Classification: Uncertain significance for Cardiomyopathy. Last evaluated: 2023-07-31. Review status: criteria provided, single submitter. Criteria: ACMG Guidelines, 2015. Collection method: clinical testing. Allele origin: germline.
Comment: This variant causes an in-frame deletion of 2 amino acids and insertion of 2 amino acids at exon 37 of the RYR2 protein. To our knowledge, functional studies have not been reported for this variant. This variant has been reported in an individual affected with dilated cardiomyopathy (PMID: 35470680). This variant has not been identified in the general population by the Genome Aggregation Database (gnomAD). The available evidence is insufficient to determine the role of this variant in disease conclusively. Therefore, this variant is classified as a Variant of Uncertain Significance.

Labcorp Genetics (formerly Invitae), Labcorp
Classification: Uncertain significance for Catecholaminergic polymorphic ventricular tachycardia 1. Last evaluated: 2022-09-01. Review status: criteria provided, single submitter. Criteria: Invitae Variant Classification Sherloc (09022015). Collection method: clinical testing. Allele origin: germline.
Comment: In summary, the available evidence is currently insufficient to determine the role of this variant in disease. Therefore, it has been classified as a Variant of Uncertain Significance. Experimental studies and prediction algorithms are not available or were not evaluated, and the functional significance of this variant is currently unknown. ClinVar contains an entry for this variant (Variation ID: 1428209). This variant has not been reported in the literature in individuals affected with RYR2-related conditions. Information on the frequency of this variant in the gnomAD database is not available, as this variant may be reported differently in the database. This variant, c.5652_5653delinsTT, is a complex sequence change that results in the deletion of 2 and insertion of 2 amino acid(s) in the RYR2 protein (p.Lys1884_Gly1885delinsAsnTrp).

Literature cited by the submitters: PubMed 35470680 (cited by Color Diagnostics, LLC DBA Color Health).